The following is an entry in ClinVar:

NM_001244008.2(KIF1A):c.2215G>C (p.Ala739Pro)

Gene: KIF1A (kinesin family member 1A; minus strand). Cytogenetic location: 2q37.3.
Variant type: single nucleotide variant.
Coding change: c.2215G>C on transcript NM_001244008.2 (MANE Select); coding-DNA position 2215, G replaced by C.
Protein change: p.Ala739Pro; replaces alanine 739 with proline.
Molecular consequence: missense variant.
Genome position (GRCh38, 1-based): chr2:240,761,279, C>G on the plus strand (G>C on the coding strand, the complement: KIF1A is on the minus strand). VCF-style: chr2-240761279-C-G. GRCh37 (hg19) VCF-style: chr2-241700696-C-G.
Other names: c.2215G>C, p.Ala739Pro (NM_001320705.2, NM_001330289.2, NM_001379638.1); c.2290G>C, p.Ala764Pro (NM_001330290.2, NM_001379631.1, NM_001379634.1 and 2 more transcripts); c.2188G>C, p.Ala730Pro (NM_001379632.1, NM_001379633.1, NM_001379636.1 and 10 more transcripts); c.2263G>C, p.Ala755Pro (NM_001379637.1, NM_001379648.1); short protein forms A730P, A739P, A755P, A764P.
Identifiers: ClinVar variation 1387553 (VCV001387553.6), dbSNP rs1373179079, ClinGen allele CA351325420.

ClinVar aggregate classification (germline): Uncertain significance (1 of 4 stars; one submission).

Conditions:
Hereditary spastic paraplegia 30. Identifiers: Orphanet 101010, MedGen C5235139, MONDO:0012476.
Neuropathy, hereditary sensory, type 2C. Also called: Hereditary sensory and autonomic neuropathy type IIC; KIF1A-Related HSAN2 (HSAN2C). Identifiers: Orphanet 970, MedGen C3280168, MONDO:0013634, OMIM 614213.
Intellectual disability, autosomal dominant 9 (NESCAVS). Also called: NESCAV SYNDROME; KIF1A-Related Neurodevelopmental Disorder. Identifiers: Orphanet 662367, MedGen C5393830, MONDO:0013656, OMIM 614255.

Submission:

Labcorp Genetics (formerly Invitae), Labcorp
Classification: Uncertain significance for Hereditary spastic paraplegia 30; Neuropathy, hereditary sensory, type 2C; Intellectual disability, autosomal dominant 9. Last evaluated: 2023-08-04. Review status: criteria provided, single submitter. Criteria: Invitae Variant Classification Sherloc (09022015). Collection method: clinical testing. Allele origin: germline.
Comment: This sequence change replaces alanine, which is neutral and non-polar, with proline, which is neutral and non-polar, at codon 730 of the KIF1A protein (p.Ala730Pro). This variant is not present in population databases (gnomAD no frequency). This variant has not been reported in the literature in individuals affected with KIF1A-related conditions. ClinVar contains an entry for this variant (Variation ID: 1387553). Advanced modeling of protein sequence and biophysical properties (such as structural, functional, and spatial information, amino acid conservation, physicochemical variation, residue mobility, and thermodynamic stability) has been performed at Invitae for this missense variant, however the output from this modeling did not meet the statistical confidence thresholds required to predict the impact of this variant on KIF1A protein function. In summary, the available evidence is currently insufficient to determine the role of this variant in disease. Therefore, it has been classified as a Variant of Uncertain Significance.